The following is an entry in ClinVar:

ClinVar aggregate classification (germline): Uncertain significance (1 of 4 stars; one submission).

Conditions:
Congenital contractural arachnodactyly (CCA). Also called: Beals-Hecht syndrome; BEALS SYNDROME; Arthrogryposis, distal, type 9. Identifiers: Orphanet 115, MedGen C0220668, MONDO:0007363, OMIM 121050.

Submission:

Labcorp Genetics (formerly Invitae), Labcorp
Classification: Uncertain significance for Congenital contractural arachnodactyly. Last evaluated: 2025-10-29. Review status: criteria provided, single submitter. Criteria: Invitae Variant Classification Sherloc (09022015). Collection method: clinical testing. Allele origin: germline.
Comment: This sequence change creates a premature translational stop signal (p.Glu661*) in the FBN2 gene. It is expected to result in an absent or disrupted protein product. However, the current clinical and genetic evidence is not sufficient to establish whether loss-of-function variants in FBN2 cause disease. This variant is not present in population databases (gnomAD no frequency). This variant has not been reported in the literature in individuals affected with FBN2-related conditions. In summary, the available evidence is currently insufficient to determine the role of this variant in disease. Therefore, it has been classified as a Variant of Uncertain Significance.

NM_001999.4(FBN2):c.1981G>T (p.Glu661Ter)

Gene: FBN2 (fibrillin 2; minus strand). Cytogenetic location: 5q23.3.
Variant type: single nucleotide variant.
Coding change: c.1981G>T on transcript NM_001999.4 (MANE Select); coding-DNA position 1981, G replaced by T.
Protein change: p.Glu661Ter; replaces glutamic acid 661 with a stop codon.
Molecular consequence: nonsense.
Genome position (GRCh38, 1-based): chr5:128,374,742, C>A on the plus strand (G>T on the coding strand, the complement: FBN2 is on the minus strand). VCF-style: chr5-128374742-C-A. GRCh37 (hg19) VCF-style: chr5-127710435-C-A.
Other names: short protein forms E661*.
Identifiers: ClinVar variation 4730162 (VCV004730162.1).